The following is an entry in ClinVar:

ClinVar aggregate classification (germline): Pathogenic (1 of 4 stars; one submission).

Conditions:
Diamond-Blackfan anemia. Also called: Blackfan Diamond syndrome; Aregenerative anemia chronic congenital; Red cell aplasia, pure hereditary; Congenital hypoplastic anemia; Aase syndrome. Identifiers: Orphanet 124, MedGen C1260899, MeSH D029503, MONDO:0015253, HP:0004810.

Submission:

Labcorp Genetics (formerly Invitae), Labcorp
Classification: Pathogenic for Diamond-Blackfan anemia. Last evaluated: 2022-09-07. Review status: criteria provided, single submitter. Criteria: Invitae Variant Classification Sherloc (09022015). Collection method: clinical testing. Allele origin: germline.
Comment: This variant is not present in population databases (gnomAD no frequency). This sequence change falls in intron 1 of the RPL5 gene. It does not directly change the encoded amino acid sequence of the RPL5 protein. This variant has been observed in individual(s) with Diamond-Blackfan anemia (Invitae). In at least one individual the variant was observed to be de novo. ClinVar contains an entry for this variant (Variation ID: 570802). Algorithms developed to predict the effect of sequence changes on RNA splicing suggest that this variant may disrupt the consensus splice site. For these reasons, this variant has been classified as Pathogenic.

NM_000969.5(RPL5):c.4-7_4-4del

Genes: DIPK1A (divergent protein kinase domain 1A; minus strand), RPL5 (ribosomal protein L5; plus strand). Cytogenetic location: 1p22.1.
Variant type: Deletion.
Coding change: c.4-7_4-4del on transcript NM_000969.5 (MANE Select); 7 bases into the intron before coding-DNA position 4 through 4 bases into the intron before coding-DNA position 4, 4 bases deleted (CTTT; older notation c.4-7_4-4delCTTT).
Molecular consequence: intron variant.
Genome position (GRCh38, 1-based): chr1:92,833,382-92,833,385, CTTT deleted; deleting any 4 consecutive bases within chr1:92,833,379-92,833,385 gives the same sequence; the c. name uses the placement nearest the transcript's 3' end. VCF-style (leftmost placement, unchanged base first): chr1-92833378-TTTTC-T. GRCh37 (hg19) VCF-style: chr1-93298935-TTTTC-T.
Other names: c.4-7_4-4delCTTT (NM_000969.3); c.475-348_475-345del (NM_001252273.2).
Identifiers: ClinVar variation 570802 (VCV000570802.10), dbSNP rs1558283792, ClinGen allele CA891842450.
Genomic context (GRCh38, chr1:92,833,378, plus strand): 5'-ATGGTTAATTTATGTCAAAAGTATCATAGGCTAAGACATCAAAGTTTTAATAACATTCTT[TTTTC>T]TTTAAGGGGTTTGTTAAAGTTGTTAAGAATAAGGCCTACTTTAAGAGATACCAAGTGAAA-3'